The following is an entry in ClinVar:

ClinVar aggregate classification (germline): Uncertain significance (1 of 4 stars; one submission).

Conditions:
Werner syndrome (WRN). Identifiers: Orphanet 902, MedGen C0043119, MONDO:0010196, OMIM 277700.

Submission:

Labcorp Genetics (formerly Invitae), Labcorp
Classification: Uncertain significance for Werner syndrome. Last evaluated: 2025-11-09. Review status: criteria provided, single submitter. Criteria: Invitae Variant Classification Sherloc (09022015). Collection method: clinical testing. Allele origin: germline.
Comment: This sequence change replaces aspartic acid, which is acidic and polar, with histidine, which is basic and polar, at codon 216 of the WRN protein (p.Asp216His). This variant is present in population databases (rs772273549, gnomAD 0.0009%). This variant has not been reported in the literature in individuals affected with WRN-related conditions. An algorithm developed to predict the effect of missense changes on protein structure and function (PolyPhen-2) suggests that this variant is likely to be disruptive. In summary, the available evidence is currently insufficient to determine the role of this variant in disease. Therefore, it has been classified as a Variant of Uncertain Significance.

NM_000553.6(WRN):c.646G>C (p.Asp216His)

Gene: WRN (WRN RecQ like helicase; plus strand). Cytogenetic location: 8p12.
Variant type: single nucleotide variant.
Coding change: c.646G>C on transcript NM_000553.6 (MANE Select); coding-DNA position 646, G replaced by C.
Protein change: p.Asp216His; replaces aspartic acid 216 with histidine.
Molecular consequence: missense variant.
Genome position (GRCh38, 1-based): chr8:31,067,174, G>C. VCF-style: chr8-31067174-G-C. GRCh37 (hg19) VCF-style: chr8-30924690-G-C.
Other names: short protein forms D216H.
Identifiers: ClinVar variation 4749606 (VCV004749606.1).